The following is an entry in ClinVar:

NM_002691.4(POLD1):c.1051C>T (p.Leu351=)

Gene: POLD1 (DNA polymerase delta 1, catalytic subunit; plus strand). Cytogenetic location: 19q13.33.
Variant type: single nucleotide variant.
Coding change: c.1051C>T on transcript NM_002691.4 (MANE Select); coding-DNA position 1051, C replaced by T.
Protein change: p.Leu351=; no amino-acid change (leucine 351 retained).
Molecular consequence: synonymous variant. On other transcripts: non-coding transcript variant (1).
Genome position (GRCh38, 1-based): chr19:50,403,133, C>T. VCF-style: chr19-50403133-C-T. GRCh37 (hg19) VCF-style: chr19-50906390-C-T.
Other names: c.1051C>T, p.Leu351= (NM_001256849.1, NM_001308632.1).
Identifiers: ClinVar variation 486069 (VCV000486069.17), dbSNP rs1555790421, ClinGen allele CA508182662.

ClinVar aggregate classification (germline): Benign/Likely benign. Review status: criteria provided, multiple submitters, no conflicts (2 of 4 stars). 3 submissions from 3 submitters: Benign (1); Likely benign (2). Last evaluated 2025-05-27.

Conditions:
Hereditary cancer-predisposing syndrome. Also called: Tumor predisposition; Hereditary Cancer Syndrome; Hereditary neoplastic syndrome; Neoplastic Syndromes, Hereditary. Identifiers: Orphanet 140162, MedGen C0027672, MeSH D009386, MONDO:0015356.
POLD1-related polyposis and colorectal cancer syndrome (CRCS10). Also called: Colorectal cancer 10; COLORECTAL CANCER, SUSCEPTIBILITY TO, ON CHROMOSOME 19q; Colorectal cancer, susceptibility to, 10. Identifiers: Orphanet 220460, MedGen C2675481, MONDO:0012953, OMIM 612591.

Submissions (3):

Labcorp Genetics (formerly Invitae), Labcorp
Classification: Likely benign for POLD1-related polyposis and colorectal cancer syndrome. Last evaluated: 2025-05-27. Review status: criteria provided, single submitter. Criteria: Invitae Variant Classification Sherloc (09022015). Collection method: clinical testing. Allele origin: germline.

Myriad Genetics, Inc.
Classification: Benign for POLD1-related polyposis and colorectal cancer syndrome. Last evaluated: 2025-02-05. Review status: criteria provided, single submitter. Criteria: Myriad Autosomal Dominant, Autosomal Recessive and X-Linked Classification Criteria (2023). Collection method: clinical testing. Allele origin: unknown.
Comment: This variant is considered benign. This variant is a silent/synonymous amino acid change and it is not expected to impact splicing.

Ambry Genetics
Classification: Likely benign for Hereditary cancer-predisposing syndrome. Last evaluated: 2016-03-13. Review status: criteria provided, single submitter. Criteria: Ambry Variant Classification Scheme 2023. Collection method: clinical testing. Allele origin: germline.